The following is an entry in ClinVar:

ClinVar aggregate classification (germline): Uncertain significance (1 of 4 stars; one submission).

Allele frequency attached by ClinVar (database versions not stated): TOPMed 0.00011; gnomAD exomes 0.00002; gnomAD 0.00013; ExAC 0.00001.
gnomAD v4.1: 50 of 1,609,346 alleles (0.0031%); highest among the groups gnomAD compares: Admixed American, 0.047%; 1 homozygote.

Submission:

Labcorp Genetics (formerly Invitae), Labcorp
Classification: Uncertain significance. Last evaluated: 2025-05-21. Review status: criteria provided, single submitter. Criteria: Invitae Variant Classification Sherloc (09022015). Collection method: clinical testing. Allele origin: germline.
Comment: This sequence change replaces isoleucine, which is neutral and non-polar, with threonine, which is neutral and polar, at codon 35 of the ADNP protein (p.Ile35Thr). This variant is present in population databases (rs779223805, gnomAD 0.03%), including at least one homozygous and/or hemizygous individual. This variant has not been reported in the literature in individuals affected with ADNP-related conditions. ClinVar contains an entry for this variant (Variation ID: 2886067). An algorithm developed to predict the effect of missense changes on protein structure and function (PolyPhen-2) suggests that this variant is likely to be tolerated. In summary, the available evidence is currently insufficient to determine the role of this variant in disease. Therefore, it has been classified as a Variant of Uncertain Significance.

NM_001282531.3(ADNP):c.104T>C (p.Ile35Thr)

Gene: ADNP (activity dependent neuroprotector homeobox; minus strand). Cytogenetic location: 20q13.13.
Variant type: single nucleotide variant.
Coding change: c.104T>C on transcript NM_001282531.3 (MANE Select); coding-DNA position 104, T replaced by C.
Protein change: p.Ile35Thr; replaces isoleucine 35 with threonine.
Molecular consequence: missense variant.
Genome position (GRCh38, 1-based): chr20:50,903,893, A>G on the plus strand (T>C on the coding strand, the complement: ADNP is on the minus strand). VCF-style: chr20-50903893-A-G. GRCh37 (hg19) VCF-style: chr20-49520430-A-G.
Other names: c.104T>C, p.Ile35Thr (NM_001282532.2, NM_001347511.2, NM_015339.5 and 1 more transcripts); short protein forms I35T.
Identifiers: ClinVar variation 2886067 (VCV002886067.3), dbSNP rs779223805, ClinGen allele CA9908959.
Genomic context (GRCh38, chr20:50,903,893, plus strand): 5'-AAGTAATGGATCAGAAGCTGAGTCATGTTAAAATTTAAAAATGACATGCTACTTACTTCT[A>G]TATGTTCTTTACAGTATTCCAACCCAATGTCACTAAGTATTTTTTTCACAGTTTTCCGGG-3'
Protein context (NP_001269460.1, residues 25-45): DIGLEYCKEH[Ile35Thr]EDFKQFEPND